The following is an entry in ClinVar:

ClinVar aggregate classification (germline): Uncertain significance (1 of 4 stars; one submission).

Conditions:
ANKRD31-related disorder. Also called: ANKRD31-related condition.

Submission:

PreventionGenetics, part of Exact Sciences
Classification: Uncertain significance for ANKRD31-related condition. Last evaluated: 2025-10-14. Review status: criteria provided, single submitter. Criteria: ACMG Guidelines, 2015. Collection method: clinical testing. Allele origin: germline.
Comment: The ANKRD31 c.24dupA variant is predicted to result in a frameshift and premature protein termination (p.Asp9Argfs*5). To our knowledge, this variant has not been reported in the literature or in a large population database (gnomAD), indicating this variant is rare. Loss of function has not been conclusively established as a mechanism for ANKRD31-related disorders. At this time, the clinical significance of this variant is uncertain due to the absence of conclusive functional and genetic evidence.

NM_001372053.1(ANKRD31):c.24dup (p.Asp9fs)

Genes: ANKRD31 (ankyrin repeat domain 31; minus strand), LOC129994071 (ATAC-STARR-seq lymphoblastoid active region 22678; plus strand). Cytogenetic location: 5q13.3.
Variant type: Duplication.
Coding change: c.24dup on transcript NM_001372053.1 (MANE Select); coding-DNA position 24, one base duplicated (A; older notation c.24dupA).
Protein change: p.Asp9fs; shifts the reading frame from aspartic acid 9.
Molecular consequence: frameshift variant.
Genome position (GRCh38, 1-based): chr5:75,236,663, T duplicated on the plus strand (A on the coding strand, the reverse complement: ANKRD31 is on the minus strand). VCF-style (leftmost placement, unchanged base first): chr5-75236662-C-CT. GRCh37 (hg19) VCF-style: chr5-74532487-C-CT.
Other names: c.24dupA (NM_001164443.1); c.24dup, p.Asp9fs (NM_001164443.1); short protein forms D9fs.
Identifiers: ClinVar variation 5001104 (VCV005001104.1).
Genomic context (GRCh38, chr5:75,236,662, plus strand): 5'-TTTCTTCCAGGTCGCTCTCCGTCACTGAACCCTCTATCACAGTTTCATCACTGTCCCAGT[C>CT]TGGGGCCTGGACGCCTTCCTCCATCTTTGCCTCACATTCAAAGTCTTTTTTACCCTCCTC-3'